The following is an entry in ClinVar:

NM_012330.4(KAT6B):c.1475C>T (p.Ser492Phe)

Gene: KAT6B (lysine acetyltransferase 6B; plus strand). Cytogenetic location: 10q22.2.
Variant type: single nucleotide variant.
Coding change: c.1475C>T on transcript NM_012330.4 (MANE Select); coding-DNA position 1475, C replaced by T.
Protein change: p.Ser492Phe; replaces serine 492 with phenylalanine.
Molecular consequence: missense variant. On other transcripts: intron variant (13).
Genome position (GRCh38, 1-based): chr10:74,975,812, C>T. VCF-style: chr10-74975812-C-T. GRCh37 (hg19) VCF-style: chr10-76735570-C-T.
Other names: c.1475C>T, p.Ser492Phe (NM_001370136.1, NM_001370137.1); c.1117+358C>T (NM_001370139.1, NM_001370140.1, NM_001370141.1 and 3 more transcripts); c.1444+31C>T (NM_001370138.1, NM_001256468.2); c.846+6037C>T (NM_001370133.1); c.193-3412C>T (NM_001370134.1); c.929-1504C>T (NM_001370143.1, NM_001370144.1); c.193-13207C>T (NM_001370135.1); short protein forms S492F.
Identifiers: ClinVar variation 2863796 (VCV002863796.3), dbSNP rs759661084, ClinGen allele CA5564412.

ClinVar aggregate classification (germline): Uncertain significance (1 of 4 stars; one submission).

Conditions:
Genitopatellar syndrome (GTPTS). Also called: Genitopatellar syndrome (GPS); ABSENT PATELLAE, SCROTAL HYPOPLASIA, RENAL ANOMALIES, FACIAL DYSMORPHISM, AND MENTAL RETARDATION. Identifiers: Orphanet 85201, MedGen C1853566, MONDO:0011640, OMIM 606170.

Allele frequency attached by ClinVar (database versions not stated): ExAC 0.00001; gnomAD 0.00001.
gnomAD v4.1: 1 of 1,614,060 alleles (0.000062%); highest among the groups gnomAD compares: East Asian, 0.0022%; no homozygotes.

Submission:

Labcorp Genetics (formerly Invitae), Labcorp
Classification: Uncertain significance for Genitopatellar syndrome. Last evaluated: 2025-12-30. Review status: criteria provided, single submitter. Criteria: Invitae Variant Classification Sherloc (09022015). Collection method: clinical testing. Allele origin: germline.
Comment: This sequence change replaces serine, which is neutral and polar, with phenylalanine, which is neutral and non-polar, at codon 492 of the KAT6B protein (p.Ser492Phe). This variant is present in population databases (rs759661084, gnomAD 0.01%). This variant has not been reported in the literature in individuals affected with KAT6B-related conditions. ClinVar contains an entry for this variant (Variation ID: 2863796). An algorithm developed to predict the effect of missense changes on protein structure and function (PolyPhen-2) suggests that this variant is likely to be disruptive. In summary, the available evidence is currently insufficient to determine the role of this variant in disease. Therefore, it has been classified as a Variant of Uncertain Significance.